The following is an entry in ClinVar:

ClinVar aggregate classification (germline): Uncertain significance. Review status: criteria provided, multiple submitters, no conflicts (2 of 4 stars). 3 submissions from 2 submitters: Uncertain significance (3). Last evaluated 2021-06-05.

Conditions:
Lethal Kniest-like syndrome (DDSH). Also called: Dyssegmental Dysplasia. Identifiers: Orphanet 1865, MedGen C1857100, MONDO:0009140, OMIM 224410.
Schwartz-Jampel syndrome. Also called: Myotonic myopathy dwarfism chondrodystrophy and ocular and facial abnormalities. Identifiers: Orphanet 800, MedGen C0036391, MONDO:0009717.

Allele frequency attached by ClinVar (database versions not stated): gnomAD 0.00001; gnomAD exomes 0.00001 and 0.00002; TOPMed 0.00003.
gnomAD v4.1: 30 of 1,543,870 alleles (0.0019%); highest among the groups gnomAD compares: Middle Eastern, 0.057%; no homozygotes.

Submissions (3):

Labcorp Genetics (formerly Invitae), Labcorp
Classification: Uncertain significance. Last evaluated: 2021-06-05. Review status: criteria provided, single submitter. Criteria: Invitae Variant Classification Sherloc (09022015). Collection method: clinical testing. Allele origin: germline.
Comment: In summary, the available evidence is currently insufficient to determine the role of this variant in disease. Therefore, it has been classified as a Variant of Uncertain Significance. Algorithms developed to predict the effect of missense changes on protein structure and function are either unavailable or do not agree on the potential impact of this missense change (SIFT: "Deleterious"; PolyPhen-2: "Benign"; Align-GVGD: "Class C0"). This variant has not been reported in the literature in individuals with HSPG2-related conditions. ClinVar contains an entry for this variant (Variation ID: 873709). The frequency data for this variant in the population databases is considered unreliable, as metrics indicate insufficient coverage at this position in the ExAC database. This sequence change replaces glutamic acid with lysine at codon 4006 of the HSPG2 protein (p.Glu4006Lys). The glutamic acid residue is highly conserved and there is a small physicochemical difference between glutamic acid and lysine.

Illumina Laboratory Services, Illumina
Classification: Uncertain significance for Lethal Kniest-like syndrome. Last evaluated: 2018-01-13. Review status: criteria provided, single submitter. Criteria: ICSL Variant Classification Criteria 13 December 2019. Collection method: clinical testing. Allele origin: germline.

Illumina Laboratory Services, Illumina
Classification: Uncertain significance for Schwartz-Jampel syndrome type 1. Last evaluated: 2018-01-13. Review status: criteria provided, single submitter. Criteria: ICSL Variant Classification Criteria 13 December 2019. Collection method: clinical testing. Allele origin: germline.

NM_005529.7(HSPG2):c.12016G>A (p.Glu4006Lys)

Gene: HSPG2 (heparan sulfate proteoglycan 2; minus strand). Cytogenetic location: 1p36.12.
Variant type: single nucleotide variant.
Coding change: c.12016G>A on transcript NM_005529.7 (MANE Select); coding-DNA position 12016, G replaced by A.
Protein change: p.Glu4006Lys; replaces glutamic acid 4006 with lysine.
Molecular consequence: missense variant.
Genome position (GRCh38, 1-based): chr1:21,829,056, C>T on the plus strand (G>A on the coding strand, the complement: HSPG2 is on the minus strand). VCF-style: chr1-21829056-C-T. GRCh37 (hg19) VCF-style: chr1-22155549-C-T.
Other names: c.12019G>A, p.Glu4007Lys (NM_001291860.2); short protein forms E4006K, E4007K.
Identifiers: ClinVar variation 873709 (VCV000873709.10), dbSNP rs113448590, ClinGen allele CA338901456.